The following is an entry in ClinVar:

ClinVar aggregate classification (germline): Likely benign. Review status: criteria provided, multiple submitters, no conflicts (2 of 4 stars). 2 submissions from 2 submitters: Likely benign (2). Last evaluated 2022-06-03.

Conditions:
Hereditary breast ovarian cancer syndrome. Also called: BRCA1- and BRCA2-Associated Hereditary Breast and Ovarian Cancer; Breast and ovarian cancer; Hereditary breast and ovarian cancer syndrome (HBOC); Hereditary breast and ovarian cancer; Hereditary breast and ovarian cancer syndrome; Hereditary breast and/or ovarian cancer syndrome. Identifiers: Orphanet 145, MedGen C0677776, MeSH D061325, MONDO:0003582. Disease mechanism: loss of function.

Allele frequency attached by ClinVar (database versions not stated): gnomAD exomes below 0.00001; TOPMed below 0.00001; ExAC 0.00001; gnomAD 0.00001.
gnomAD v4.1: 1 of 1,613,004 alleles (0.000062%); no homozygotes.

Submissions (2):

Labcorp Genetics (formerly Invitae), Labcorp
Classification: Likely benign for Hereditary breast ovarian cancer syndrome. Last evaluated: 2022-06-03. Review status: criteria provided, single submitter. Criteria: Invitae Variant Classification Sherloc (09022015). Collection method: clinical testing. Allele origin: germline.

GeneDx
Classification: Likely benign. Last evaluated: 2018-04-30. Review status: criteria provided, single submitter. Criteria: GeneDx Variant Classification (06012015). Collection method: clinical testing. Allele origin: germline. Affected: yes.
Comment: This variant is considered likely benign or benign based on one or more of the following criteria: it is a conservative change, it occurs at a poorly conserved position in the protein, it is predicted to be benign by multiple in silico algorithms, and/or has population frequency not consistent with disease.

NM_000059.4(BRCA2):c.476-5C>T

Gene: BRCA2 (BRCA2 DNA repair associated; plus strand). Cytogenetic location: 13q13.1.
Variant type: single nucleotide variant.
Coding change: c.476-5C>T on transcript NM_000059.4 (MANE Select); 5 bases into the intron before coding-DNA position 476, C replaced by T.
Molecular consequence: intron variant.
Genome position (GRCh38, 1-based): chr13:32,326,237, C>T. VCF-style: chr13-32326237-C-T. GRCh37 (hg19) VCF-style: chr13-32900374-C-T.
Identifiers: ClinVar variation 667511 (VCV000667511.10), dbSNP rs773802339, ClinGen allele CA6940379.
Genomic context (GRCh38, chr13:32,326,237, plus strand): 5'-TCTTAGAATACTAGAAATGTTAATAAAAATAAAACTTAACAATTTTCCCCTTTTTTTACC[C>T]CCAGTGGTATGTGGGAGTTTGTTTCATACACCAAAGTTTGTGAAGGTAAATATTCTACCT-3'